The following is an entry in ClinVar:

NM_014915.3(ANKRD26):c.1231G>A (p.Gly411Arg)

Gene: ANKRD26 (ankyrin repeat domain 26; minus strand). Cytogenetic location: 10p12.1.
Variant type: single nucleotide variant.
Coding change: c.1231G>A on transcript NM_014915.3 (MANE Select); coding-DNA position 1231, G replaced by A.
Protein change: p.Gly411Arg; replaces glycine 411 with arginine.
Molecular consequence: missense variant.
Genome position (GRCh38, 1-based): chr10:27,066,525, C>T on the plus strand (G>A on the coding strand, the complement: ANKRD26 is on the minus strand). VCF-style: chr10-27066525-C-T. GRCh37 (hg19) VCF-style: chr10-27355454-C-T.
Other names: c.1231G>A, p.Gly411Arg (NM_001256053.2); short protein forms G411R.
Identifiers: ClinVar variation 3369862 (VCV003369862.2).

ClinVar aggregate classification (germline): Uncertain significance. Review status: criteria provided, multiple submitters, no conflicts (2 of 4 stars). 2 submissions from 2 submitters: Uncertain significance (2). Last evaluated 2026-01-20.

Conditions:
Inborn genetic diseases. Identifiers: MedGen C0950123, MeSH D030342.

gnomAD v4.1: 6 of 1,600,632 alleles (0.00037%); highest among the groups gnomAD compares: African/African-American, 0.0053%; no homozygotes.

Submissions (2):

Ambry Genetics
Classification: Uncertain significance for Inborn genetic diseases. Last evaluated: 2026-01-20. Review status: criteria provided, single submitter. Criteria: Ambry Variant Classification Scheme 2023. Collection method: clinical testing. Allele origin: germline.
Comment: The p.G411R variant (also known as c.1231G>A), located in coding exon 11 of the ANKRD26 gene, results from a G to A substitution at nucleotide position 1231. The glycine at codon 411 is replaced by arginine, an amino acid with dissimilar properties. This amino acid position is conserved. In addition, this alteration is predicted to be tolerated by in silico analysis. Based on the available evidence, the clinical significance of this variant remains unclear.

GeneDx
Classification: Uncertain significance. Last evaluated: 2024-02-28. Review status: criteria provided, single submitter. Criteria: GeneDx Variant Classification Process June 2021. Collection method: clinical testing. Allele origin: germline. Affected: yes.
Comment: Not observed at significant frequency in large population cohorts (gnomAD); In silico analysis supports that this missense variant has a deleterious effect on protein structure/function; Has not been previously published as pathogenic or benign to our knowledge